The following is an entry in ClinVar:

ClinVar aggregate classification (germline): Uncertain significance (1 of 4 stars; one submission).

Allele frequency attached by ClinVar (database versions not stated): gnomAD exomes below 0.00001; TOPMed below 0.00001; gnomAD 0.00001.
gnomAD v4.1: 5 of 1,604,186 alleles (0.00031%); highest among the groups gnomAD compares: Admixed American, 0.0017%; no homozygotes.

Submission:

Ambry Genetics
Classification: Uncertain significance. Last evaluated: 2022-02-22. Review status: criteria provided, single submitter. Criteria: Ambry Variant Classification Scheme 2023. Collection method: clinical testing. Allele origin: germline.
Comment: The p.A1068D variant (also known as c.3203C>A), located in coding exon 25 of the BUB1 gene, results from a C to A substitution at nucleotide position 3203. The alanine at codon 1068 is replaced by aspartic acid, an amino acid with dissimilar properties. This amino acid position is conserved. In addition, this alteration is predicted to be tolerated by in silico analysis. Since supporting evidence is limited at this time, the clinical significance of this alteration remains unclear.

NM_004336.5(BUB1):c.3203C>A (p.Ala1068Asp)

Gene: BUB1 (BUB1 mitotic checkpoint serine/threonine kinase; minus strand). Cytogenetic location: 2q13.
Variant type: single nucleotide variant.
Coding change: c.3203C>A on transcript NM_004336.5 (MANE Select); coding-DNA position 3203, C replaced by A.
Protein change: p.Ala1068Asp; replaces alanine 1068 with aspartic acid.
Molecular consequence: missense variant.
Genome position (GRCh38, 1-based): chr2:110,638,019, G>T on the plus strand (C>A on the coding strand, the complement: BUB1 is on the minus strand). VCF-style: chr2-110638019-G-T. GRCh37 (hg19) VCF-style: chr2-111395596-G-T.
Other names: c.3143C>A, p.Ala1048Asp (NM_001278616.2); c.3032C>A, p.Ala1011Asp (NM_001278617.2); short protein forms A1068D, A1011D, A1048D.
Identifiers: ClinVar variation 1728843 (VCV001728843.2), dbSNP rs1452211619, ClinGen allele CA348088313.
Genomic context (GRCh38, chr2:110,638,019, plus strand): 5'-AAATTTTATTTTCGTGAACGCTTACATTCTAAGAGCAGTACAATTAGCCTATTACGTAGG[G>T]CCCTAATCTTGTTAGTATAGTGTTGTTGAAATACTTTCTTCAGCTTTTGCCTTAACAAAT-3'
Protein context (NP_004327.1, residues 1058-1078): FQQHYTNKIR[Ala1068Asp]LRNRLIVLLL